The following is an entry in ClinVar:

NM_032119.4(ADGRV1):c.9624-78del

Gene: ADGRV1 (adhesion G protein-coupled receptor V1; plus strand). Cytogenetic location: 5q14.3.
Variant type: Deletion.
Coding change: c.9624-78del on transcript NM_032119.4 (MANE Select); 78 bases into the intron before coding-DNA position 9624, one base deleted (G; older notation c.9624-78delG).
Molecular consequence: intron variant.
Genome position (GRCh38, 1-based): chr5:90,720,857, G deleted. VCF-style (leftmost placement, unchanged base first): chr5-90720856-TG-T. GRCh37 (hg19) VCF-style: chr5-90016673-TG-T.
Identifiers: ClinVar variation 676781 (VCV000676781.1), dbSNP rs199665614, ClinGen allele CA122808096.

ClinVar aggregate classification (germline): Likely benign (1 of 4 stars; one submission).

Allele frequency attached by ClinVar (database versions not stated): gnomAD exomes 0.00301; 1000 Genomes Project 0.01078; 1000 Genomes Project 30x 0.01109; gnomAD 0.01321 and 0.01421.

Submission:

GeneDx
Classification: Likely benign. Last evaluated: 2018-06-13. Review status: criteria provided, single submitter. Criteria: GeneDx Variant Classification (06012015). Collection method: clinical testing. Allele origin: germline. Affected: yes.
Comment: This variant is considered likely benign or benign based on one or more of the following criteria: it is a conservative change, it occurs at a poorly conserved position in the protein, it is predicted to be benign by multiple in silico algorithms, and/or has population frequency not consistent with disease.